The following is an entry in ClinVar:

ClinVar aggregate classification (germline): Benign/Likely benign. Review status: criteria provided, multiple submitters, no conflicts (2 of 4 stars). 2 submissions from 2 submitters: Benign (1); Likely benign (1). Last evaluated 2024-09-30.

Conditions:
Tuberous sclerosis 2 (TSC2). Identifiers: Orphanet 805, MedGen C1860707, MONDO:0013199, OMIM 613254.

gnomAD v4.1: 2 of 1,609,812 alleles (0.00012%); highest among the groups gnomAD compares: South Asian, 0.0011%; no homozygotes.

Submissions (2):

Labcorp Genetics (formerly Invitae), Labcorp
Classification: Likely benign for Tuberous sclerosis 2. Last evaluated: 2024-09-30. Review status: criteria provided, single submitter. Criteria: Invitae Variant Classification Sherloc (09022015). Collection method: clinical testing. Allele origin: germline.

Myriad Genetics, Inc.
Classification: Benign for Tuberous sclerosis 2. Last evaluated: 2023-07-06. Review status: criteria provided, single submitter. Criteria: Myriad Autosomal Dominant, Autosomal Recessive and X-Linked Classification Criteria (2023). Collection method: clinical testing. Allele origin: unknown.
Comment: This variant is considered benign. This variant is intronic and is not expected to impact mRNA splicing. Homozygosity has been confirmed in one or more individuals. As homozygosity for pathogenic variants in this gene is generally assumed to result in embryonic lethality, this variant is unlikely to be pathogenic.

NM_000548.5(TSC2):c.4005+7G>A

Gene: TSC2 (TSC complex subunit 2; plus strand). Cytogenetic location: 16p13.3.
Variant type: single nucleotide variant.
Coding change: c.4005+7G>A on transcript NM_000548.5 (MANE Select); 7 bases into the intron after coding-DNA position 4005, G replaced by A.
Molecular consequence: intron variant.
Genome position (GRCh38, 1-based): chr16:2,083,823, G>A. VCF-style: chr16-2083823-G-A. GRCh37 (hg19) VCF-style: chr16-2133824-G-A.
Other names: c.3936+7G>A (NM_001114382.3); c.3876+7G>A (NM_021055.3, NM_001370405.1); c.3807+7G>A (NM_001363528.2); c.3873+7G>A (NM_001370404.1); c.3804+7G>A (NM_001077183.3); c.3696+7G>A (NM_001318827.2); c.3273+7G>A (NM_001318831.2); c.3660+7G>A (NM_001318829.2); and 1 more.
Identifiers: ClinVar variation 1625387 (VCV001625387.8), dbSNP rs2151514474, ClinGen allele CA2573151583.
Genomic context (GRCh38, chr16:2,083,823, plus strand): 5'-GAGGACGTTGAGGCAGCGCTAGGCATGGACAGGCGCACGGATGCCTACAGCAGGGTGAGT[G>A]TGGCTCAGAGCCTGGACCCTGCTGACCTCGGGGGGCTCCTTAGGGGAGGCAGGGCTCTGC-3'